The following is an entry in ClinVar:

ClinVar aggregate classification (germline): Uncertain significance (1 of 4 stars; one submission).

Conditions:
Hypotrichosis 14. Identifiers: MedGen C4748930, MONDO:0032649, OMIM 618275.
Cataract 44 (CTRCT44). Also called: CATARACT 44 AND HYPOTRICHOSIS. Identifiers: Orphanet 91492, Orphanet 98994, MedGen C4225300, MONDO:0014673, OMIM 616509.
Alopecia-intellectual disability syndrome 4. Also called: ALOPECIA-MENTAL RETARDATION SYNDROME 4. Identifiers: MedGen C5394241, MONDO:0030009, OMIM 618840.

Submission:

Juno Genomics, Hangzhou Juno Genomics, Inc
Classification: Uncertain significance for Alopecia-intellectual disability syndrome 4; Cataract 44; Hypotrichosis 14. Review status: criteria provided, single submitter. Criteria: ACMG Guidelines, 2015. Collection method: clinical testing. Allele origin: germline.
Comment: Absent from controls (or at extremely low frequency if recessive) in Genome Aggregation Database.;Null variant in a gene where loss of function (LOF) is a known mechanism of disease.;For recessive disorders, detected in trans with a pathogenic variant.

NM_002340.6(LSS):c.3G>A (p.Met1Ile)

Genes: LSS (lanosterol synthase; minus strand), LOC130066869 (ATAC-STARR-seq lymphoblastoid silent region 13414; plus strand). Cytogenetic location: 21q22.3.
Variant type: single nucleotide variant.
Coding change: c.3G>A on transcript NM_002340.6 (MANE Select); coding-DNA position 3, G replaced by A.
Protein change: p.Met1Ile; changes the start codon (methionine 1).
Molecular consequence: missense variant, initiator codon variant. On other transcripts: 5 prime UTR variant (1).
Genome position (GRCh38, 1-based): chr21:46,228,743, C>T on the plus strand (G>A on the coding strand, the complement: LSS is on the minus strand). VCF-style: chr21-46228743-C-T. GRCh37 (hg19) VCF-style: chr21-47648657-C-T.
Other names: c.3G>A, p.Met1Ile (NM_001001438.3, NM_001145436.2); c.-370G>A (NM_001145437.2); short protein forms M1I.
Identifiers: ClinVar variation 5006432 (VCV005006432.2).